The following is an entry in ClinVar:

ClinVar aggregate classification (germline): Uncertain significance. Review status: criteria provided, multiple submitters, no conflicts (2 of 4 stars). 2 submissions from 2 submitters: Uncertain significance (2). Last evaluated 2025-07-08.

Conditions:
Stormorken syndrome (STRMK). Also called: THROMBOCYTOPATHY, ASPLENIA, AND MIOSIS. Identifiers: Orphanet 3204, MedGen C1861451, MONDO:0008497, OMIM 185070.
Combined immunodeficiency due to STIM1 deficiency. Also called: STIM1 DEFICIENCY; IMMUNODEFICIENCY 10. Identifiers: Orphanet 169090, Orphanet 317430, MedGen C2748557, MONDO:0013008, OMIM 612783.
Myopathy with tubular aggregates (TAM). Also called: Tubular Aggregate Myopathy. Identifiers: Orphanet 2593, MedGen C0410207, MONDO:0008051.
Inborn genetic diseases. Identifiers: MedGen C0950123, MeSH D030342.

Allele frequency attached by ClinVar (database versions not stated): gnomAD exomes below 0.00001.
gnomAD v4.1: 2 of 1,614,214 alleles (0.00012%); highest among the groups gnomAD compares: Admixed American, 0.0033%; no homozygotes.

Submissions (2):

Ambry Genetics
Classification: Uncertain significance for Inborn genetic diseases. Last evaluated: 2025-07-08. Review status: criteria provided, single submitter. Criteria: Ambry Variant Classification Scheme 2023. Collection method: clinical testing. Allele origin: germline.

Labcorp Genetics (formerly Invitae), Labcorp
Classification: Uncertain significance for Myopathy with tubular aggregates; Combined immunodeficiency due to STIM1 deficiency; Stormorken syndrome. Last evaluated: 2024-02-06. Review status: criteria provided, single submitter. Criteria: Invitae Variant Classification Sherloc (09022015). Collection method: clinical testing. Allele origin: germline.
Comment: This sequence change replaces histidine, which is basic and polar, with glutamine, which is neutral and polar, at codon 27 of the STIM1 protein (p.His27Gln). This variant is present in population databases (no rsID available, gnomAD 0.003%). This variant has not been reported in the literature in individuals affected with STIM1-related conditions. ClinVar contains an entry for this variant (Variation ID: 942226). Advanced modeling of protein sequence and biophysical properties (such as structural, functional, and spatial information, amino acid conservation, physicochemical variation, residue mobility, and thermodynamic stability) performed at Invitae indicates that this missense variant is not expected to disrupt STIM1 protein function with a negative predictive value of 80%. In summary, the available evidence is currently insufficient to determine the role of this variant in disease. Therefore, it has been classified as a Variant of Uncertain Significance.

NM_001382567.1(STIM1):c.81C>A (p.His27Gln)

Gene: STIM1 (stromal interaction molecule 1; plus strand). Cytogenetic location: 11p15.4.
Variant type: single nucleotide variant.
Coding change: c.81C>A on transcript NM_001382567.1 (MANE Select); coding-DNA position 81, C replaced by A.
Protein change: p.His27Gln; replaces histidine 27 with glutamine.
Molecular consequence: missense variant. On other transcripts: 5 prime UTR variant (1), non-coding transcript variant (3), intron variant (10).
Genome position (GRCh38, 1-based): chr11:3,856,351, C>A. VCF-style: chr11-3856351-C-A. GRCh37 (hg19) VCF-style: chr11-3877581-C-A.
Other names: c.81C>A, p.His27Gln (NM_001277961.3, NM_001277962.2, NM_001382568.1 and 3 more transcripts); c.77C>A, p.Thr26Lys (NM_001382569.1); c.-157C>A (NM_001382571.1); c.-84+1615C>A (NM_001382578.1, NM_001382575.1, NM_001382574.1); c.-220+1615C>A (NM_001382580.1, NM_001382581.1); c.-84+1697C>A (NM_001382576.1); c.-84+935C>A (NM_001382566.1, NM_001382579.1, NM_001382577.1 and 1 more transcripts); short protein forms H27Q, T26K.
Identifiers: ClinVar variation 942226 (VCV000942226.10), dbSNP rs1393963653, ClinGen allele CA379196438.